The following is an entry in ClinVar:

NM_016729.3(FOLR1):c.496_514del (p.Phe166fs)

Genes: FOLR1-AS1 (FOLR1 antisense RNA 1; minus strand), FOLR1 (folate receptor alpha; plus strand). Cytogenetic location: 11q13.4.
Variant type: Deletion.
Coding change: c.496_514del on transcript NM_016729.3 (MANE Select); coding-DNA positions 496 to 514, 19 bases deleted (TTTAACAAGTGCGCAGTGG).
Protein change: p.Phe166fs; shifts the reading frame from phenylalanine 166.
Molecular consequence: frameshift variant.
Genome position (GRCh38, 1-based): chr11:72,195,899-72,195,917, TTTAACAAGTGCGCAGTGG deleted; deleting any 19 consecutive bases within chr11:72,195,897-72,195,917 gives the same sequence; the c. name uses the placement nearest the transcript's 3' end. VCF-style (leftmost placement, unchanged base first): chr11-72195896-GGGTTTAACAAGTGCGCAGT-G. GRCh37 (hg19) VCF-style: chr11-71906940-GGGTTTAACAAGTGCGCAGT-G.
Other names: c.496_514del, p.Phe166fs (NM_000802.3, NM_016724.3, NM_016725.3); short protein forms F166fs.
Identifiers: ClinVar variation 3714352 (VCV003714352.2).
Genomic context (GRCh38, chr11:72,195,896, plus strand): 5'-GCTGGCAGACCTCAAGATAGTTCCGGGCCCAGTGGCTAAAGGTCTTCCCTCCTCTCTACA[GGGTTTAACAAGTGCGCAGT>G]GGGAGCTGCCTGCCAACCTTTCCATTTCTACTTCCCCACACCCACTGTTCTGTGCAATGA-3'

ClinVar aggregate classification (germline): Pathogenic (1 of 4 stars; one submission).

Conditions:
Cerebral folate transport deficiency. Also called: Cerebral folate deficiency syndrome; FOLATE RECEPTOR DEFICIENCY; FOLR1-Related Cerebral Folate Transport Deficiency; NEURODEGENERATION DUE TO CEREBRAL FOLATE TRANSPORT DEFICIENCY; Neurodegenerative syndrome due to cerebral folate transport deficiency. Identifiers: Orphanet 217382, MedGen C2751584, MONDO:0013110, OMIM 613068. Disease mechanism: loss of function.

Submission:

Labcorp Genetics (formerly Invitae), Labcorp
Classification: Pathogenic for Cerebral folate transport deficiency. Last evaluated: 2024-02-02. Review status: criteria provided, single submitter. Criteria: Invitae Variant Classification Sherloc (09022015). Collection method: clinical testing. Allele origin: germline.
Comment: This sequence change creates a premature translational stop signal (p.Phe166Glufs*62) in the FOLR1 gene. While this is not anticipated to result in nonsense mediated decay, it is expected to disrupt the last 92 amino acid(s) of the FOLR1 protein. This variant is not present in population databases (gnomAD no frequency). This variant has not been reported in the literature in individuals affected with FOLR1-related conditions. This variant disrupts a region of the FOLR1 protein in which other variant(s) (p.Arg204*) have been determined to be pathogenic (PMID: 21752681, 24556562). This suggests that this is a clinically significant region of the protein, and that variants that disrupt it are likely to be disease-causing. For these reasons, this variant has been classified as Pathogenic.

Literature cited by the submitters: PubMed 21752681; PubMed 24556562.